The following is an entry in ClinVar:

ClinVar aggregate classification (germline): Uncertain significance. Review status: reviewed by expert panel (3 of 4 stars). 5 submissions from 5 submitters: Uncertain significance (1). 4 of the submissions do not count toward it. Last evaluated 2023-12-19.

Conditions:
Bleeding disorder, platelet-type, 24. Also called: GLANZMANN THROMBASTHENIA-LIKE WITH MACROTHROMBOCYTOPENIA 2. Identifiers: MedGen C5543280, MONDO:0030996, OMIM 619271.
Glanzmann thrombasthenia. Also called: THROMBASTHENIA OF GLANZMANN AND NAEGELI; Thrombasthenia; PLATELET GLYCOPROTEIN IIb-IIIa DEFICIENCY; Glanzmann's thrombasthenia. Identifiers: Orphanet 849, MedGen C0040015, MONDO:0100326.

Allele frequency attached by ClinVar (database versions not stated): ESP Exome Variant Server 0.00023; TOPMed 0.00024.
gnomAD v4.1: 44 of 1,614,068 alleles (0.0027%); highest among the groups gnomAD compares: African/African-American, 0.037%; no homozygotes.

Submissions (5):

ClinGen Platelet Disorders Variant Curation Expert Panel, ClinGen
Classification: Uncertain significance for Glanzmann thrombasthenia. Last evaluated: 2023-12-19. Review status: reviewed by expert panel. Criteria: ClinGen Platelet ACMG Specifications v2-1. Collection method: curation. Allele origin: germline. Inheritance: Autosomal recessive inheritance.
Comment: The c.346C>T variant in ITGB3 is a missense variant predicted to cause substitution of Leucine by Phenylalanine at amino acid 116 (p.Leu116Phe). The highest population minor allele frequency in gnomAD v4.0.0 is 0.0003737 (28/74930 alleles) in the African/African American population. This intermediate allele frequency is lower than the ClinGen PD VCEP threshold (>0.00158) for BS1 but higher than the threshold (<0.0001) for PM2_Supporting. The computational predictor REVEL gives a score of 0.773, which is above the ClinGen PD VCEP threshold of >0.7 and predicts a damaging effect on function (PP3). This variant was observed as part of a predisposition screen in an ostensibly healthy population by Illumina. The only case of this variant occurring in autosomal recessive Glanzmann thrombasthenia (PMID: 27469266) was in a patient with an alternate explanation for disease, compound heterozygous for c.861del and c.1456del (both classified Pathogenic by the PD-VCEP). In summary, this variant meets the criteria to be classified as VUS for autosomal recessive Glanzmann Thrombasthenia based on the ACMG/AMP criteria applied, as specified by the ClinGen PD VCEP: PP3 (VCEP specifications version 2).

Labcorp Genetics (formerly Invitae), Labcorp
Classification: Uncertain significance. Last evaluated: 2025-11-03. Review status: criteria provided, single submitter. Criteria: Invitae Variant Classification Sherloc (09022015). Collection method: clinical testing. Allele origin: germline. Not counted in ClinVar's aggregate classification.
Comment: This sequence change replaces leucine, which is neutral and non-polar, with phenylalanine, which is neutral and non-polar, at codon 116 of the ITGB3 protein (p.Leu116Phe). This variant is present in population databases (rs72547409, gnomAD 0.05%). This missense change has been observed in individual(s) with clinical features of Glanzmann thrombasthenia (PMID: 27469266). ClinVar contains an entry for this variant (Variation ID: 890134). Invitae Evidence Modeling of protein sequence and biophysical properties (such as structural, functional, and spatial information, amino acid conservation, physicochemical variation, residue mobility, and thermodynamic stability) indicates that this missense variant is expected to disrupt ITGB3 protein function with a positive predictive value of 95%. In summary, the available evidence is currently insufficient to determine the role of this variant in disease. Therefore, it has been classified as a Variant of Uncertain Significance.

Blueprint Genetics
Classification: Uncertain significance. Last evaluated: 2022-11-12. Review status: criteria provided, single submitter. Criteria: ACMG Guidelines, 2015. Collection method: clinical testing. Allele origin: germline. Not counted in ClinVar's aggregate classification.

Illumina Laboratory Services, Illumina
Classification: Uncertain significance for Glanzmann thrombasthenia 1. Last evaluated: 2017-04-27. Review status: criteria provided, single submitter. Criteria: ICSL Variant Classification Criteria 13 December 2019. Collection method: clinical testing. Allele origin: germline. Not counted in ClinVar's aggregate classification.
Comment: This variant was observed as part of a predisposition screen in an ostensibly healthy population. A literature search was performed for the gene, cDNA change, and amino acid change (where applicable). Publications were found based on this search. However, the evidence from the literature, in combination with allele frequency data from public databases where available, was not sufficient to rule this variant in or out of causing disease. Therefore, this variant is classified as a variant of unknown significance.

Unidade de Genética Molecular, Centro Hospitalar Universitário do Porto
Classification: Likely pathogenic for Bleeding disorder, platelet-type, 24. Review status: no assertion criteria provided. Collection method: research. Allele origin: unknown. Affected: yes. Observed: 1 heterozygote. Not counted in ClinVar's aggregate classification.
Comment: PM1, PM2, PP2, PP3, PP1

Literature cited by the submitters: PubMed 27469266 (cited by Labcorp Genetics (formerly Invitae), Labcorp and Illumina Laboratory Services, Illumina); PubMed 20804530 (cited by Illumina Laboratory Services, Illumina).

NM_000212.3(ITGB3):c.346C>T (p.Leu116Phe)

Gene: ITGB3 (integrin subunit beta 3; plus strand). Cytogenetic location: 17q21.32.
Variant type: single nucleotide variant.
Coding change: c.346C>T on transcript NM_000212.3 (MANE Select); coding-DNA position 346, C replaced by T.
Protein change: p.Leu116Phe; replaces leucine 116 with phenylalanine.
Molecular consequence: missense variant.
Genome position (GRCh38, 1-based): chr17:47,283,534, C>T. VCF-style: chr17-47283534-C-T. GRCh37 (hg19) VCF-style: chr17-45360900-C-T.
Other names: NM_000212.3(ITGB3):c.346C>T; p.Leu116Phe; short protein forms L116F.
Identifiers: ClinVar variation 890134 (VCV000890134.12), dbSNP rs72547409, ClinGen allele CA8622917.
Genomic context (GRCh38, chr17:47,283,534, plus strand): 5'-AGCGACAAGGGCTCTGGAGACAGCTCCCAGGTCACTCAAGTCAGTCCCCAGAGGATTGCA[C>T]TCCGGCTCCGGCCAGGTAGGGCTGGGACTCTTTGCGGGGAGAGACCTGAAGCAGGTGGGC-3'
Protein context (NP_000203.2, residues 106-126): VTQVSPQRIA[Leu116Phe]RLRPDDSKNF